The following is an entry in ClinVar:

NM_000180.4(GUCY2D):c.836A>T (p.Asp279Val)

Gene: GUCY2D (guanylate cyclase 2D, retinal; plus strand). Cytogenetic location: 17p13.1.
Variant type: single nucleotide variant.
Coding change: c.836A>T on transcript NM_000180.4 (MANE Select); coding-DNA position 836, A replaced by T.
Protein change: p.Asp279Val; replaces aspartic acid 279 with valine.
Molecular consequence: missense variant.
Genome position (GRCh38, 1-based): chr17:8,003,966, A>T. VCF-style: chr17-8003966-A-T. GRCh37 (hg19) VCF-style: chr17-7907284-A-T.
Other names: short protein forms D279V.
Identifiers: ClinVar variation 3768592 (VCV003768592.1).

ClinVar aggregate classification (germline): Uncertain significance (1 of 4 stars; one submission).

Submission:

Women's Health and Genetics/Laboratory Corporation of America, LabCorp
Classification: Uncertain significance. Last evaluated: 2025-02-11. Review status: criteria provided, single submitter. Criteria: LabCorp Variant Classification Summary - May 2015. Collection method: clinical testing. Allele origin: germline.
Comment: Variant summary: GUCY2D c.836A>T (p.Asp279Val) results in a non-conservative amino acid change located in the Periplasmic binding protein-like domain of the encoded protein sequence. Five of five in-silico tools predict a damaging effect of the variant on protein function. The variant was absent in 250956 control chromosomes. The available data on variant occurrences in the general population are insufficient to allow any conclusion about variant significance. c.836A>T has been reported in the literature in at-least one individual affected with Leber Congenital Amaurosis (example: Xu_2020). These report(s) do not provide unequivocal conclusions about association of the variant with Leber Congenital Amaurosis. To our knowledge, no experimental evidence demonstrating an impact on protein function has been reported. The following publication has been ascertained in the context of this evaluation (PMID: 31630094). No submitters have cited clinical-significance assessments for this variant to ClinVar. Based on the evidence outlined above, the variant was classified as uncertain significance.

Literature cited by the submitters: PubMed 31630094.